The following is an entry in ClinVar:

NM_000165.5(GJA1):c.116C>T (p.Thr39Ile)

Gene: GJA1 (gap junction protein alpha 1; plus strand). Cytogenetic location: 6q22.31.
Variant type: single nucleotide variant.
Coding change: c.116C>T on transcript NM_000165.5 (MANE Select); coding-DNA position 116, C replaced by T.
Protein change: p.Thr39Ile; replaces threonine 39 with isoleucine.
Molecular consequence: missense variant.
Genome position (GRCh38, 1-based): chr6:121,446,963, C>T. VCF-style: chr6-121446963-C-T. GRCh37 (hg19) VCF-style: chr6-121768109-C-T.
Other names: short protein forms T39I.
Identifiers: ClinVar variation 3650021 (VCV003650021.2).

ClinVar aggregate classification (germline): Uncertain significance (1 of 4 stars; one submission).

Conditions:
Oculodentodigital dysplasia, autosomal recessive. Also called: OCULODENTOOSSEOUS DYSPLASIA, AUTOSOMAL RECESSIVE; ODDD, AUTOSOMAL RECESSIVE; ODOD, AUTOSOMAL RECESSIVE. Identifiers: Orphanet 2710, MedGen C2749477, MONDO:0009768, OMIM 257850.

Submission:

Labcorp Genetics (formerly Invitae), Labcorp
Classification: Uncertain significance for Oculodentodigital dysplasia, autosomal recessive. Last evaluated: 2025-07-14. Review status: criteria provided, single submitter. Criteria: Invitae Variant Classification Sherloc (09022015). Collection method: clinical testing. Allele origin: germline.
Comment: This sequence change replaces threonine, which is neutral and polar, with isoleucine, which is neutral and non-polar, at codon 39 of the GJA1 protein (p.Thr39Ile). This variant is not present in population databases (gnomAD no frequency). This variant has not been reported in the literature in individuals affected with GJA1-related conditions. ClinVar contains an entry for this variant (Variation ID: 3650021). Invitae Evidence Modeling of protein sequence and biophysical properties (such as structural, functional, and spatial information, amino acid conservation, physicochemical variation, residue mobility, and thermodynamic stability) indicates that this missense variant is expected to disrupt GJA1 protein function with a positive predictive value of 95%. In summary, the available evidence is currently insufficient to determine the role of this variant in disease. Therefore, it has been classified as a Variant of Uncertain Significance.